The following is an entry in ClinVar:

ClinVar aggregate classification (germline): Uncertain significance (1 of 4 stars; one submission).

Conditions:
Developmental and epileptic encephalopathy, 34 (DEE34). Also called: SLC12A5-Related Epilepsy of Infancy with Migrating Focal Seizures; Early infantile epileptic encephalopathy 34. Identifiers: Orphanet 293181, MedGen C4225257, MONDO:0014718, OMIM 616645.

Allele frequency attached by ClinVar (database versions not stated): gnomAD exomes below 0.00001; TOPMed below 0.00001.
gnomAD v4.1: 1 of 1,613,924 alleles (0.000062%); highest among the groups gnomAD compares: Non-Finnish European, 0.000085%; no homozygotes.

Submission:

Labcorp Genetics (formerly Invitae), Labcorp
Classification: Uncertain significance for Developmental and epileptic encephalopathy, 34. Last evaluated: 2022-07-26. Review status: criteria provided, single submitter. Criteria: Invitae Variant Classification Sherloc (09022015). Collection method: clinical testing. Allele origin: germline.
Comment: This sequence change replaces methionine, which is neutral and non-polar, with isoleucine, which is neutral and non-polar, at codon 57 of the SLC12A5 protein (p.Met57Ile). This variant is not present in population databases (gnomAD no frequency). This variant has not been reported in the literature in individuals affected with SLC12A5-related conditions. Advanced modeling of protein sequence and biophysical properties (such as structural, functional, and spatial information, amino acid conservation, physicochemical variation, residue mobility, and thermodynamic stability) performed at Invitae indicates that this missense variant is not expected to disrupt SLC12A5 protein function. In summary, the available evidence is currently insufficient to determine the role of this variant in disease. Therefore, it has been classified as a Variant of Uncertain Significance.

NM_020708.5(SLC12A5):c.171G>A (p.Met57Ile)

Gene: SLC12A5 (solute carrier family 12 member 5; plus strand). Cytogenetic location: 20q13.12.
Variant type: single nucleotide variant.
Coding change: c.171G>A on transcript NM_020708.5 (MANE Select); coding-DNA position 171, G replaced by A.
Protein change: p.Met57Ile; replaces methionine 57 with isoleucine.
Molecular consequence: missense variant.
Genome position (GRCh38, 1-based): chr20:46,035,427, G>A. VCF-style: chr20-46035427-G-A. GRCh37 (hg19) VCF-style: chr20-44664066-G-A.
Other names: c.240G>A, p.Met80Ile (NM_001134771.2); short protein forms M57I, M80I.
Identifiers: ClinVar variation 2085416 (VCV002085416.1), dbSNP rs1376239329, ClinGen allele CA409187134.